The following is an entry in ClinVar:

ClinVar aggregate classification (germline): Likely benign. Review status: criteria provided, multiple submitters, no conflicts (2 of 4 stars). 2 submissions from 2 submitters: Likely benign (2). Last evaluated 2025-07-15.

Allele frequency attached by ClinVar (database versions not stated): gnomAD exomes 0.00002; ExAC 0.00003; gnomAD 0.00003; TOPMed 0.00003.
gnomAD v4.1: 25 of 1,206,967 alleles (0.0021%); highest among the groups gnomAD compares: East Asian, 0.003%; no homozygotes.

Submissions (2):

Labcorp Genetics (formerly Invitae), Labcorp
Classification: Likely benign. Last evaluated: 2025-07-15. Review status: criteria provided, single submitter. Criteria: Invitae Variant Classification Sherloc (09022015). Collection method: clinical testing. Allele origin: germline.

CeGaT Center for Human Genetics Tuebingen
Classification: Likely benign. Last evaluated: 2024-02-01. Review status: criteria provided, single submitter. Criteria: CeGaT Center For Human Genetics Tuebingen Variant Classification Criteria Version 2. Collection method: clinical testing. Allele origin: germline. Affected: yes. Observed: 1 variant allele.
Comment: CACNA1F: BP4, BP7, BS2

NM_001256789.3(CACNA1F):c.3057G>A (p.Thr1019=)

Gene: CACNA1F (calcium voltage-gated channel subunit alpha1 F; minus strand). Cytogenetic location: Xp11.23.
Variant type: single nucleotide variant.
Coding change: c.3057G>A on transcript NM_001256789.3 (MANE Select); coding-DNA position 3057, G replaced by A.
Protein change: p.Thr1019=; no amino-acid change (threonine 1019 retained).
Molecular consequence: synonymous variant.
Genome position (GRCh38, 1-based): chrX:49,217,787, C>T on the plus strand (G>A on the coding strand, the complement: CACNA1F is on the minus strand). VCF-style: chrX-49217787-C-T. GRCh37 (hg19) VCF-style: chrX-49074246-C-T.
Other names: c.2895G>A, p.Thr965= (NM_001256790.3); c.3090G>A, p.Thr1030= (NM_005183.4).
Identifiers: ClinVar variation 1481797 (VCV001481797.30), dbSNP rs782287148, ClinGen allele CA10410546.